The following is an entry in ClinVar:

ClinVar aggregate classification (germline): Uncertain significance (1 of 4 stars; one submission).

Submission:

Labcorp Genetics (formerly Invitae), Labcorp
Classification: Uncertain significance. Last evaluated: 2023-11-27. Review status: criteria provided, single submitter. Criteria: Invitae Variant Classification Sherloc (09022015). Collection method: clinical testing. Allele origin: germline.
Comment: This sequence change replaces aspartic acid, which is acidic and polar, with glycine, which is neutral and non-polar, at codon 1915 of the HIVEP2 protein (p.Asp1915Gly). This variant is not present in population databases (gnomAD no frequency). This variant has not been reported in the literature in individuals affected with HIVEP2-related conditions. Advanced modeling of protein sequence and biophysical properties (such as structural, functional, and spatial information, amino acid conservation, physicochemical variation, residue mobility, and thermodynamic stability) performed at Invitae indicates that this missense variant is expected to disrupt HIVEP2 protein function with a positive predictive value of 80%. In summary, the available evidence is currently insufficient to determine the role of this variant in disease. Therefore, it has been classified as a Variant of Uncertain Significance.

NM_006734.4(HIVEP2):c.5744A>G (p.Asp1915Gly)

Gene: HIVEP2 (HIVEP zinc finger 2; minus strand). Cytogenetic location: 6q24.2.
Variant type: single nucleotide variant.
Coding change: c.5744A>G on transcript NM_006734.4 (MANE Select); coding-DNA position 5744, A replaced by G.
Protein change: p.Asp1915Gly; replaces aspartic acid 1915 with glycine.
Molecular consequence: missense variant.
Genome position (GRCh38, 1-based): chr6:142,760,544, T>C on the plus strand (A>G on the coding strand, the complement: HIVEP2 is on the minus strand). VCF-style: chr6-142760544-T-C. GRCh37 (hg19) VCF-style: chr6-143081681-T-C.
Other names: short protein forms D1915G.
Identifiers: ClinVar variation 2786807 (VCV002786807.3), dbSNP rs2482773146, ClinGen allele CA365888829.
Genomic context (GRCh38, chr6:142,760,544, plus strand): 5'-CTTCTTGATCTTGTTTTTGGTGTTAAATCTCCCTGGTCGTCAAAGTCATCTTCATCTTCA[T>C]CATCATCATCATTATCATCTCCATCCTCACCATCTGATTCCTCAGCATCGGAGAACTGAT-3'
Protein context (NP_006725.3, residues 1905-1925): GEDGDDNDDD[Asp1915Gly]EDEDDFDDQG